The following is an entry in ClinVar:

ClinVar aggregate classification (germline): Conflicting classifications of pathogenicity. Review status: criteria provided, conflicting classifications (1 of 4 stars). 12 submissions from 12 submitters: Pathogenic (8); Likely pathogenic (3); Uncertain significance (1). Last evaluated 2026-06-08.

Conditions:
ACADVL-related disorder. Also called: ACADVL-related condition.
Very long chain acyl-CoA dehydrogenase deficiency (ACADVLD). Also called: VLCAD Deficiency; Very Long-Chain Acyl-Coenzyme A Dehydrogenase Deficiency. Identifiers: Orphanet 26793, MedGen C3887523, MONDO:0008723, OMIM 201475.

Allele frequency attached by ClinVar (database versions not stated): ExAC 0.00001; gnomAD 0.00001 and 0.00002; gnomAD exomes 0.00002; TOPMed 0.00003; 1000 Genomes Project 30x 0.00016; 1000 Genomes Project 0.00020.
gnomAD v4.1: 60 of 1,614,086 alleles (0.0037%); highest among the groups gnomAD compares: Non-Finnish European, 0.0048%; no homozygotes.

Submissions (12):

Myriad Genetics, Inc.
Classification: Likely pathogenic for Very long chain acyl-CoA dehydrogenase deficiency. Last evaluated: 2026-06-08. Review status: criteria provided, single submitter. Criteria: Myriad Autosomal Dominant, Autosomal Recessive and X-Linked Classification Criteria (2023). Collection method: clinical testing. Allele origin: unknown.
Comment: NM_000018.3(ACADVL):c.1316G>A(G439D) is a missense variant classified as likely pathogenic in the context of very-long-chain acyl-CoA dehydrogenase deficiency. G439D has been observed in cases with relevant disease (PMID: 17999356, 23169530, 23480858, 31031081). Relevant functional assessments of this variant are not available in the literature. Internal structural analysis of the variant is supportive of pathogenicity. G439D has been observed in referenced population frequency databases. In summary, NM_000018.3(ACADVL):c.1316G>A(G439D) is a missense variant that has internal structural support for pathogenicity and has been observed more frequently in cases with the relevant disease than in healthy populations. Please note: this variant was assessed in the context of healthy population screening.

CeGaT Center for Human Genetics Tuebingen
Classification: Likely pathogenic. Last evaluated: 2025-11-01. Review status: criteria provided, single submitter. Criteria: CeGaT Center For Human Genetics Tuebingen Variant Classification Criteria Version 2. Collection method: clinical testing. Allele origin: germline. Affected: yes. Observed: 1 variant allele.
Comment: ACADVL: PM1, PM2, PM3:Supporting, PP3, PS3:Supporting

Labcorp Genetics (formerly Invitae), Labcorp
Classification: Pathogenic for Very long chain acyl-CoA dehydrogenase deficiency. Last evaluated: 2025-10-21. Review status: criteria provided, single submitter. Criteria: Invitae Variant Classification Sherloc (09022015). Collection method: clinical testing. Allele origin: germline.
Comment: This sequence change replaces glycine, which is neutral and non-polar, with aspartic acid, which is acidic and polar, at codon 439 of the ACADVL protein (p.Gly439Asp). This variant is present in population databases (rs533055438, gnomAD 0.005%). This missense change has been observed in individual(s) with very long chain acyl-CoA dehydrogenase deficiency (PMID: 17999356, 23480858; internal data). ClinVar contains an entry for this variant (Variation ID: 203582). Invitae Evidence Modeling of protein sequence and biophysical properties (such as structural, functional, and spatial information, amino acid conservation, physicochemical variation, residue mobility, and thermodynamic stability) indicates that this missense variant is expected to disrupt ACADVL protein function with a positive predictive value of 80%. Experimental studies have shown that this missense change affects ACADVL function (PMID: 23480858). This variant disrupts the p.Gly439 amino acid residue in ACADVL. Other variant(s) that disrupt this residue have been observed in individuals with ACADVL-related conditions (internal data), which suggests that this may be a clinically significant amino acid residue. For these reasons, this variant has been classified as Pathogenic.

ARUP Laboratories, Molecular Genetics and Genomics, ARUP Laboratories
Classification: Pathogenic for Very long chain acyl-CoA dehydrogenase deficiency. Last evaluated: 2025-05-19. Review status: criteria provided, single submitter. Criteria: ARUP Molecular Germline Variant Investigation Process 2024. Collection method: clinical testing. Allele origin: germline.
Comment: The ACADVL c.1316G>A; p.Gly439Asp variant (rs533055438) is reported in the literature in the compound heterozygous state in individuals diagnosed with VLCAD deficiency (Gobin-Limballe 2010, Pena 2016, Schiff 2013). This variant is reported in ClinVar (Variation ID: 203582), and found in the general population with an allele frequency of 0.002% (6/277134 alleles) in the Genome Aggregation Database. Computational analyses predict that this variant is deleterious (REVEL: 0.964), and functional analyses of the variant protein show no enzyme activity (Schiff 2013). Based on available information, this variant is considered pathogenic. References: Gobin-Limballe S et al. Compared effects of missense mutations in Very-Long-Chain Acyl-CoA Dehydrogenase deficiency: Combined analysis by structural, functional and pharmacological approaches. Biochim Biophys Acta. 2010 May;1802(5):478-84. PMID: 20060901. Pena LD et al. Outcomes and genotype-phenotype correlations in 52 individuals with VLCAD deficiency diagnosed by NBS and enrolled in the IBEM-IS database. Mol Genet Metab. 2016 Aug;118(4):272-81. PMID: 27209629. Schiff M et al. Molecular and cellular pathology of very-long-chain acyl-CoA dehydrogenase deficiency. Mol Genet Metab. 2013 May;109(1):21-7. PMID: 23480858.

Mayo Clinic Laboratories, Mayo Clinic
Classification: Pathogenic. Last evaluated: 2025-04-28. Review status: criteria provided, single submitter. Criteria: ACMG Guidelines, 2015. Collection method: clinical testing. Allele origin: germline. Observed: 1 variant allele.
Comment: PP3_strong, PM2_supporting, PM3_strong, PS3_supporting

Women's Health and Genetics/Laboratory Corporation of America, LabCorp
Classification: Pathogenic for Very long chain acyl-CoA dehydrogenase deficiency. Last evaluated: 2025-04-04. Review status: criteria provided, single submitter. Criteria: LabCorp Variant Classification Summary - May 2015. Collection method: clinical testing. Allele origin: germline.
Comment: Variant summary: ACADVL c.1316G>A (p.Gly439Asp) results in a non-conservative amino acid change in the encoded protein sequence. Five of five in-silico tools predict a damaging effect of the variant on protein function. The variant allele was found at a frequency of 2e-05 in 251404 control chromosomes. c.1316G>A has been reported in the literature in individuals affected with Very Long Chain Acyl-CoA Dehydrogenase Deficiency (Gobin-Limballe_2007, Schiff_2014, Isackson_2013, Rovelli_2019). These data indicate that the variant is likely to be associated with disease. At least one publication reports experimental evidence evaluating an impact on protein function (Schiff_2014). The following publications have been ascertained in the context of this evaluation (PMID: 20060901, 23169530, 31031081, 23480858). ClinVar contains an entry for this variant (Variation ID: 203582). Based on the evidence outlined above, the variant was classified as pathogenic.

Blueprint Genetics
Classification: Pathogenic for ACADVL-related disorders. Last evaluated: 2024-11-06. Review status: criteria provided, single submitter. Criteria: ACMG Guidelines, 2015. Collection method: clinical testing. Allele origin: germline. Affected: yes. Observed: 5 variant alleles.

GeneDx
Classification: Pathogenic. Last evaluated: 2024-08-14. Review status: criteria provided, single submitter. Criteria: GeneDx Variant Classification Process June 2021. Collection method: clinical testing. Allele origin: germline. Affected: yes.
Comment: Expression of G439D in E. coli found no detectable enzyme activity compared to wild-type controls (PMID: 23480858); Not observed at significant frequency in large population cohorts (gnomAD); In silico analysis supports that this missense variant has a deleterious effect on protein structure/function; This variant is associated with the following publications: (PMID: 30925787, 23169530, 27209629, 30194637, 31031081, 20060901, 23480858, 17999356)

Fulgent Genetics
Classification: Likely pathogenic for Very long chain acyl-CoA dehydrogenase deficiency. Last evaluated: 2024-04-15. Review status: criteria provided, single submitter. Criteria: ACMG Guidelines, 2015. Collection method: clinical testing. Allele origin: germline.

Baylor Genetics
Classification: Pathogenic for Very long chain acyl-CoA dehydrogenase deficiency. Last evaluated: 2024-03-19. Review status: criteria provided, single submitter. Criteria: ACMG Guidelines, 2015. Collection method: clinical testing. Allele origin: unknown.

Wong Mito Lab, Molecular and Human Genetics, Baylor College of Medicine
Classification: Pathogenic for Very long chain acyl-CoA dehydrogenase deficiency. Last evaluated: 2019-11-01. Review status: criteria provided, single submitter. Criteria: ACMG Guidelines, 2015. Collection method: clinical testing. Allele origin: germline.
Comment: The NM_000018.3:c.1316G>A (NP_000009.1:p.Gly439Asp) [GRCH38: NC_000017.11:g.7223859G>A] variant in ACADVL gene is interpretated to be Pathogenic based on ACMG guidelines (PMID: 25741868). This variant has been reported in PMID: 20060901. This variant meets the following evidence codes reported in the ACMG guidelines: PS1, PS3

Eurofins Ntd Llc (ga)
Classification: Uncertain significance. Last evaluated: 2017-01-31. Review status: criteria provided, single submitter. Criteria: EGL Classification Definitions 2015. Collection method: clinical testing. Allele origin: germline. Observed: 3 variant alleles, 3 heterozygotes.

Literature cited by the submitters: PubMed 17999356 (cited by 3 submitters); PubMed 23169530 (cited by 3 submitters); PubMed 23480858 (cited by 4 submitters); PubMed 31031081 (cited by 3 submitters); PubMed 20060901 (cited by 3 submitters); PubMed 27209629 (cited by Mayo Clinic Laboratories, Mayo Clinic); PubMed 30194637 (cited by Mayo Clinic Laboratories, Mayo Clinic).

NM_000018.4(ACADVL):c.1316G>A (p.Gly439Asp)

Gene: ACADVL (acyl-CoA dehydrogenase very long chain; plus strand). Cytogenetic location: 17p13.1.
Variant type: single nucleotide variant.
Coding change: c.1316G>A on transcript NM_000018.4 (MANE Select); coding-DNA position 1316, G replaced by A.
Protein change: p.Gly439Asp; replaces glycine 439 with aspartic acid.
Molecular consequence: missense variant.
Genome position (GRCh38, 1-based): chr17:7,223,859, G>A. VCF-style: chr17-7223859-G-A. GRCh37 (hg19) VCF-style: chr17-7127178-G-A.
Other names: p.G439D:GGT>GAT; p.Gly439Asp; c.1250G>A, p.Gly417Asp (NM_001033859.3); c.1385G>A, p.Gly462Asp (NM_001270447.2); c.1088G>A, p.Gly363Asp (NM_001270448.2); short protein forms G439D, G417D, G363D, G462D.
Identifiers: ClinVar variation 203582 (VCV000203582.40), dbSNP rs533055438, ClinGen allele CA312270.